The following is an entry in ClinVar:

ClinVar aggregate classification (germline): Uncertain significance (1 of 4 stars; one submission).

Allele frequency attached by ClinVar (database versions not stated): gnomAD exomes below 0.00001; TOPMed below 0.00001; gnomAD 0.00001.
gnomAD v4.1: 2 of 1,614,092 alleles (0.00012%); highest among the groups gnomAD compares: Non-Finnish European, 0.00017%; no homozygotes.

Submission:

ARUP Laboratories, Molecular Genetics and Genomics, ARUP Laboratories
Classification: Uncertain significance. Last evaluated: 2018-01-24. Review status: criteria provided, single submitter. Criteria: ARUP Molecular Germline Variant Investigation Process. Collection method: clinical testing. Allele origin: germline.
Comment: The p.Ser907Gly variant has not been reported in the medical literature, gene specific variation databases, nor has it been previously identified by our laboratory. It is absent from general population databases such as 1000 Genomes, NHLBI GO Exome Sequencing Project (ESP), and the Genome Aggregation Database (gnomAD). The serine at position 907 is moderately conserved considering 12 species (Alamut v2.10) and computational analyses of the effects of the p.Ser907Gly variant on protein structure and function provide conflicting results (SIFT: tolerated, MutationTaster: disease causing, PolyPhen-2: benign). Altogether, there is not enough evidence to classify the p.Ser907Gly variant with certainty.

NM_001377229.1(DISP1):c.2719A>G (p.Ser907Gly)

Gene: DISP1 (dispatched RND transporter family member 1; plus strand). Cytogenetic location: 1q41.
Variant type: single nucleotide variant.
Coding change: c.2719A>G on transcript NM_001377229.1 (MANE Select); coding-DNA position 2719, A replaced by G.
Protein change: p.Ser907Gly; replaces serine 907 with glycine.
Molecular consequence: missense variant.
Genome position (GRCh38, 1-based): chr1:223,004,116, A>G. VCF-style: chr1-223004116-A-G. GRCh37 (hg19) VCF-style: chr1-223177458-A-G.
Other names: c.1990A>G, p.Ser664Gly (NM_001350630.2); c.2719A>G, p.Ser907Gly (NM_001369594.1, NM_001377228.1, NM_032890.5); short protein forms S907G, S664G.
Identifiers: ClinVar variation 618594 (VCV000618594.8), dbSNP rs934670686, ClinGen allele CA38408660.